The following is an entry in ClinVar:

ClinVar aggregate classification (germline): Likely benign (1 of 4 stars; one submission).

gnomAD v4.1: 2 of 1,552,800 alleles (0.00013%); highest among the groups gnomAD compares: Non-Finnish European, 0.00017%; no homozygotes.

Submission:

CeGaT Center for Human Genetics Tuebingen
Classification: Likely benign. Last evaluated: 2025-03-01. Review status: criteria provided, single submitter. Criteria: CeGaT Center For Human Genetics Tuebingen Variant Classification Criteria Version 2. Collection method: clinical testing. Allele origin: germline. Affected: yes. Observed: 1 variant allele.
Comment: GABRA5: BP4, BP7

NM_000810.4(GABRA5):c.882C>G (p.Val294=)

Gene: GABRA5 (gamma-aminobutyric acid type A receptor subunit alpha5; plus strand). Cytogenetic location: 15q12.
Variant type: single nucleotide variant.
Coding change: c.882C>G on transcript NM_000810.4 (MANE Select); coding-DNA position 882, C replaced by G.
Protein change: p.Val294=; no amino-acid change (valine 294 retained).
Molecular consequence: synonymous variant.
Genome position (GRCh38, 1-based): chr15:26,943,219, C>G. VCF-style: chr15-26943219-C-G. GRCh37 (hg19) VCF-style: chr15-27188366-C-G.
Other names: c.882C>G, p.Val294= (NM_001165037.2).
Identifiers: ClinVar variation 3778543 (VCV003778543.7).
Genomic context (GRCh38, chr15:26,943,219, plus strand): 5'-GTGCCAGCACTGACCCCTGTTTCCGTTTTTCACTCTGCCCTGCCTGACCCCCGCAGGGGT[C>G]ACCACGGTGCTGACCATGACGACCCTCAGCATCAGCGCCAGGAACTCTCTGCCCAAAGTG-3'
Protein context (NP_000801.1, residues 284-304): ESVPARTVFG[Val294=]TTVLTMTTLS